The following is an entry in ClinVar:

ClinVar aggregate classification (germline): Uncertain significance. Review status: criteria provided, multiple submitters, no conflicts (2 of 4 stars). 7 submissions from 7 submitters: Uncertain significance (7). Last evaluated 2025-10-28.

Conditions:
SUFU-related disorder. Also called: SUFU-related condition; SUFU-related disorders.
Gorlin syndrome. Also called: Nevoid Basal Cell Carcinoma Syndrome; Basal cell nevus syndrome. Identifiers: Orphanet 377, MedGen C0004779, MONDO:0007187.
Medulloblastoma (MDB). Also called: Medulloblastoma, somatic; MEDULLOBLASTOMA PREDISPOSITION SYNDROME. Identifiers: Orphanet 616, MedGen C0025149, MeSH D008527, MONDO:0007959, OMIM 155255, HP:0002885.
Joubert syndrome 32 (JBTS32). Identifiers: MedGen C4540342, MONDO:0033309, OMIM 617757.
Familial meningioma. Also called: Meningioma, familial, susceptibility to. Identifiers: Orphanet 263662, MedGen C3551915, MONDO:0011789, OMIM 607174.
Hereditary cancer-predisposing syndrome. Also called: Hereditary Cancer Syndrome; Neoplastic Syndromes, Hereditary; Hereditary neoplastic syndrome; Tumor predisposition. Identifiers: Orphanet 140162, MedGen C0027672, MeSH D009386, MONDO:0015356.

Allele frequency attached by ClinVar (database versions not stated): gnomAD exomes below 0.00001 and 0.00001; gnomAD 0.00001; ExAC 0.00002; TOPMed 0.00005.
gnomAD v4.1: 7 of 1,614,036 alleles (0.00043%); highest among the groups gnomAD compares: African/African-American, 0.0013%; no homozygotes.

Submissions (7):

Labcorp Genetics (formerly Invitae), Labcorp
Classification: Uncertain significance for Gorlin syndrome; Medulloblastoma. Last evaluated: 2025-10-28. Review status: criteria provided, single submitter. Criteria: Invitae Variant Classification Sherloc (09022015). Collection method: clinical testing. Allele origin: germline.
Comment: This sequence change replaces glutamic acid, which is acidic and polar, with lysine, which is basic and polar, at codon 86 of the SUFU protein (p.Glu86Lys). This variant is present in population databases (rs770989077, gnomAD 0.0009%). This variant has not been reported in the literature in individuals affected with SUFU-related conditions. ClinVar contains an entry for this variant (Variation ID: 821503). Invitae Evidence Modeling of protein sequence and biophysical properties (such as structural, functional, and spatial information, amino acid conservation, physicochemical variation, residue mobility, and thermodynamic stability) indicates that this missense variant is not expected to disrupt SUFU protein function with a negative predictive value of 80%. In summary, the available evidence is currently insufficient to determine the role of this variant in disease. Therefore, it has been classified as a Variant of Uncertain Significance.

Ambry Genetics
Classification: Uncertain significance for Hereditary cancer-predisposing syndrome. Last evaluated: 2024-10-17. Review status: criteria provided, single submitter. Criteria: Ambry Variant Classification Scheme 2023. Collection method: clinical testing. Allele origin: germline.
Comment: The p.E86K variant (also known as c.256G>A), located in coding exon 2 of the SUFU gene, results from a G to A substitution at nucleotide position 256. The glutamic acid at codon 86 is replaced by lysine, an amino acid with similar properties. This amino acid position is highly conserved in available vertebrate species. In addition, this alteration is predicted to be deleterious by in silico analysis. Since supporting evidence is limited at this time, the clinical significance of this alteration remains unclear.

Quest Diagnostics Nichols Institute San Juan Capistrano
Classification: Uncertain significance. Last evaluated: 2024-05-14. Review status: criteria provided, single submitter. Criteria: Quest Diagnostics criteria. Collection method: clinical testing. Allele origin: unknown.
Comment: The SUFU c.256G>A (p.Glu86Lys) variant has not been reported in individuals with SUFU-related conditions in the published literature. The frequency of this variant in the general population, 0.000004 (1/249052 chromosomes (Genome Aggregation Database)), is uninformative in the assessment of its pathogenicity. Analysis of this variant using bioinformatics tools for the prediction of the effect of amino acid changes on protein structure and function yielded conflicting predictions that this variant is deleterious or benign. Based on the available information, we are unable to determine the clinical significance of this variant.

Baylor Genetics
Classification: Uncertain significance for Familial meningioma. Last evaluated: 2023-09-28. Review status: criteria provided, single submitter. Criteria: ACMG Guidelines, 2015. Collection method: clinical testing. Allele origin: unknown.

GeneDx
Classification: Uncertain significance. Last evaluated: 2023-06-20. Review status: criteria provided, single submitter. Criteria: GeneDx Variant Classification Process June 2021. Collection method: clinical testing. Allele origin: germline. Affected: yes.
Comment: Not observed at significant frequency in large population cohorts (gnomAD); In silico analysis supports that this missense variant does not alter protein structure/function; Has not been previously published as pathogenic or benign to our knowledge

PreventionGenetics, part of Exact Sciences
Classification: Uncertain significance for SUFU-related condition. Last evaluated: 2022-11-16. Review status: criteria provided, single submitter. Criteria: ACMG Guidelines, 2015. Collection method: clinical testing. Allele origin: germline.
Comment: The SUFU c.256G>A variant is predicted to result in the amino acid substitution p.Glu86Lys. To our knowledge, this variant has not been reported in the literature. This variant is reported in 0.00090% of alleles in individuals of European (Non-Finnish) descent in gnomAD. At this time, the clinical significance of this variant is uncertain due to the absence of conclusive functional and genetic evidence.

Fulgent Genetics
Classification: Uncertain significance for Basal cell nevus syndrome 1; Medulloblastoma; Familial meningioma; Joubert syndrome 32. Last evaluated: 2022-02-17. Review status: criteria provided, single submitter. Criteria: ACMG Guidelines, 2015. Collection method: clinical testing. Allele origin: unknown.

NM_016169.4(SUFU):c.256G>A (p.Glu86Lys)

Gene: SUFU (SUFU negative regulator of hedgehog signaling; plus strand). Cytogenetic location: 10q24.32.
Variant type: single nucleotide variant.
Coding change: c.256G>A on transcript NM_016169.4 (MANE Select); coding-DNA position 256, G replaced by A.
Protein change: p.Glu86Lys; replaces glutamic acid 86 with lysine.
Molecular consequence: missense variant.
Genome position (GRCh38, 1-based): chr10:102,509,242, G>A. VCF-style: chr10-102509242-G-A. GRCh37 (hg19) VCF-style: chr10-104268999-G-A.
Other names: c.256G>A, p.Glu86Lys (NM_001178133.2); short protein forms E86K.
Identifiers: ClinVar variation 821503 (VCV000821503.18), dbSNP rs770989077, ClinGen allele CA5667639.
Genomic context (GRCh38, chr10:102,509,242, plus strand): 5'-GACCCCTTGGACTATGTTAGCATGTACAGGAATGTGGGGAGCCCTTCTGCTAACATCCCC[G>A]AGCACTGGCACTACATCAGCTTCGGCCTGAGTGATCTCTATGGTGACAACAGAGTCCATG-3'
Protein context (NP_057253.2, residues 76-96): NVGSPSANIP[Glu86Lys]HWHYISFGLS